The following is an entry in ClinVar:

NM_001130987.2(DYSF):c.3659C>T (p.Thr1220Met)

Gene: DYSF (dysferlin; plus strand). Cytogenetic location: 2p13.2.
Variant type: single nucleotide variant.
Coding change: c.3659C>T on transcript NM_001130987.2 (MANE Select); coding-DNA position 3659, C replaced by T.
Protein change: p.Thr1220Met; replaces threonine 1220 with methionine.
Molecular consequence: missense variant.
Genome position (GRCh38, 1-based): chr2:71,598,648, C>T. VCF-style: chr2-71598648-C-T. GRCh37 (hg19) VCF-style: chr2-71825778-C-T.
Other names: c.3608C>T, p.Thr1203Met (NM_001130455.2, NM_001130983.2); c.3563C>T, p.Thr1188Met (NM_001130976.2, NM_001130977.2); c.3605C>T, p.Thr1202Met (NM_001130978.2, NM_003494.4); c.3698C>T, p.Thr1233Met (NM_001130979.2); c.3656C>T, p.Thr1219Met (NM_001130980.2, NM_001130981.2); c.3701C>T, p.Thr1234Met (NM_001130982.2); c.3566C>T, p.Thr1189Met (NM_001130984.2, NM_001130986.2); c.3659C>T, p.Thr1220Met (NM_001130985.2); short protein forms T1202M, T1220M, T1189M, T1219M, T1203M, T1234M, T1188M, T1233M.
Identifiers: ClinVar variation 517204 (VCV000517204.8), dbSNP rs1294912316, ClinGen allele CA347223930.

ClinVar aggregate classification (germline): Uncertain significance. Review status: criteria provided, multiple submitters, no conflicts (2 of 4 stars). 3 submissions from 3 submitters: Uncertain significance (2). 1 of the submissions does not count toward it. Last evaluated 2022-08-09.

Conditions:
Neuromuscular disease caused by qualitative or quantitative defects of dysferlin. Also called: Dysferlinopathy; Qualitative or quantitative defects of dysferlin. Identifiers: Orphanet 207073, MedGen C2931687, MONDO:0016145.
Autosomal recessive limb-girdle muscular dystrophy type 2B (LGMDR2). Also called: MUSCULAR DYSTROPHY, LIMB-GIRDLE, AUTOSOMAL RECESSIVE 2; Limb-Girdle Muscular Dystrophy Type 2B (LGMD2B); Limb-girdle muscular dystrophy, type 2B; MUSCULAR DYSTROPHY, LIMB-GIRDLE, TYPE 3. Identifiers: Orphanet 268, MedGen C1850889, MONDO:0009676, OMIM 253601.

Allele frequency attached by ClinVar (database versions not stated): gnomAD 0.00001 and 0.00002; TOPMed 0.00001; gnomAD exomes 0.00002.
gnomAD v4.1: 31 of 1,614,192 alleles (0.0019%); highest among the groups gnomAD compares: East Asian, 0.0022%; no homozygotes.

Submissions (3):

Labcorp Genetics (formerly Invitae), Labcorp
Classification: Uncertain significance for Neuromuscular disease caused by qualitative or quantitative defects of dysferlin. Last evaluated: 2022-08-09. Review status: criteria provided, single submitter. Criteria: Invitae Variant Classification Sherloc (09022015). Collection method: clinical testing. Allele origin: germline.
Comment: This sequence change replaces threonine, which is neutral and polar, with methionine, which is neutral and non-polar, at codon 1202 of the DYSF protein (p.Thr1202Met). This variant is present in population databases (no rsID available, gnomAD 0.006%). This variant has not been reported in the literature in individuals affected with DYSF-related conditions. ClinVar contains an entry for this variant (Variation ID: 517204). Algorithms developed to predict the effect of missense changes on protein structure and function are either unavailable or do not agree on the potential impact of this missense change (SIFT: "Deleterious"; PolyPhen-2: "Probably Damaging"; Align-GVGD: "Class C0"). In summary, the available evidence is currently insufficient to determine the role of this variant in disease. Therefore, it has been classified as a Variant of Uncertain Significance.

Laboratory for Molecular Medicine, Mass General Brigham Personalized Medicine
Classification: Uncertain significance. Last evaluated: 2016-12-14. Review status: criteria provided, single submitter. Criteria: LMM Criteria. Collection method: clinical testing. Allele origin: germline. Observed: 1 variant allele.
Comment: The p.Thr1220Met variant in DYSF has not been previously reported in individuals with myopathy or in large population studies. Computational prediction tools a nd conservation analysis suggest that the p.Thr1220Met variant may impact the pr otein, though this information is not predictive enough to determine pathogenici ty. In summary, the clinical significance of the p.Thr1220Met variant is uncerta in.

Natera, Inc.
Classification: Uncertain significance for Limb-girdle muscular dystrophy type 2B. Last evaluated: 2019-10-28. Review status: no assertion criteria provided. Collection method: clinical testing. Allele origin: germline. Not counted in ClinVar's aggregate classification.